The following is an entry in ClinVar:

NM_001282472.2(GOLGA8J):c.845G>A (p.Arg282Lys)

Gene: GOLGA8J (golgin A8 family member J; plus strand). Cytogenetic location: 15q13.2.
Variant type: single nucleotide variant.
Coding change: c.845G>A on transcript NM_001282472.2 (MANE Select); coding-DNA position 845, G replaced by A.
Protein change: p.Arg282Lys; replaces arginine 282 with lysine.
Molecular consequence: missense variant.
Genome position (GRCh38, 1-based): chr15:30,089,294, G>A. VCF-style: chr15-30089294-G-A. GRCh37 (hg19) VCF-style: chr15-30381497-G-A.
Other names: short protein forms R282K.
Identifiers: ClinVar variation 2645100 (VCV002645100.24), dbSNP rs563356122, ClinGen allele CA7447792.
Genomic context (GRCh38, chr15:30,089,294, plus strand): 5'-AGATTTGCACATTAAAGAAAGAGAAGCAGCAAGATATGCGTCGGGTAGAGAAGCTGGAGA[G>A]GAGCTTGTCCAAACTCAAAAACCAGATGGGTAAGATGGGGCTGGCATGACCTGGGAGCAG-3'
Protein context (NP_001269401.1, residues 272-292): QDMRRVEKLE[Arg282Lys]SLSKLKNQMA

ClinVar aggregate classification (germline): Likely benign (1 of 4 stars; one submission).

Allele frequency attached by ClinVar (database versions not stated): 1000 Genomes Project 0.00060; 1000 Genomes Project 30x 0.00078; TOPMed 0.00301.

Submission:

CeGaT Center for Human Genetics Tuebingen
Classification: Likely benign. Last evaluated: 2023-02-01. Review status: criteria provided, single submitter. Criteria: CeGaT Center For Human Genetics Tuebingen Variant Classification Criteria Version 2. Collection method: clinical testing. Allele origin: germline. Affected: yes. Observed: 1 variant allele.
Comment: GOLGA8J: BP4, BS2